The following is an entry in ClinVar:

ClinVar aggregate classification (germline): Conflicting classifications of pathogenicity. Review status: criteria provided, conflicting classifications (1 of 4 stars). 6 submissions from 6 submitters: Uncertain significance (4); Likely benign (2). Last evaluated 2025-10-29.

Conditions:
Cardiovascular phenotype. Identifiers: MedGen CN230736.
ALPK3-related disorder. Also called: ALPK3-related condition.
Cardiomyopathy, familial hypertrophic 27. Identifiers: MedGen C4748014, MONDO:0054838, OMIM 618052.

Allele frequency attached by ClinVar (database versions not stated): ExAC 0.00014; gnomAD 0.00016 and 0.00015; TOPMed 0.00014; ESP Exome Variant Server 0.00008; gnomAD exomes 0.00013 and 0.00016; 1000 Genomes Project 30x 0.00031; 1000 Genomes Project 0.00020.

Submissions (6):

PreventionGenetics, part of Exact Sciences
Classification: Uncertain significance for ALPK3-related condition. Last evaluated: 2025-10-29. Review status: criteria provided, single submitter. Criteria: ACMG Guidelines, 2015. Collection method: clinical testing. Allele origin: germline.
Comment: The ALPK3 c.154C>T variant is predicted to result in the amino acid substitution p.Pro52Ser. This variant has been observed in an individual with dilated cardiomyopathy (Table S5, Perret et al. 2023. PubMed ID: 37904629). This variant is reported in 0.024% of alleles in individuals of European (Non-Finnish) descent in gnomAD and has conflicting interpretations regarding its pathogenicity in ClinVar, ranging from likely benign to uncertain (Variation ID: 1442895). At this time, the clinical significance of this variant is uncertain due to the absence of conclusive functional and genetic evidence.

Labcorp Genetics (formerly Invitae), Labcorp
Classification: Uncertain significance. Last evaluated: 2025-09-13. Review status: criteria provided, single submitter. Criteria: Invitae Variant Classification Sherloc (09022015). Collection method: clinical testing. Allele origin: germline.
Comment: This sequence change replaces proline, which is neutral and non-polar, with serine, which is neutral and polar, at codon 52 of the ALPK3 protein (p.Pro52Ser). This variant is present in population databases (rs373853510, gnomAD 0.02%). This variant has not been reported in the literature in individuals affected with ALPK3-related conditions. ClinVar contains an entry for this variant (Variation ID: 1442895). An algorithm developed to predict the effect of missense changes on protein structure and function outputs the following: PolyPhen-2: "Possibly Damaging". The serine amino acid residue is found in multiple mammalian species, which suggests that this missense change does not adversely affect protein function. In summary, the available evidence is currently insufficient to determine the role of this variant in disease. Therefore, it has been classified as a Variant of Uncertain Significance.

Blueprint Genetics
Classification: Likely benign. Last evaluated: 2024-09-20. Review status: criteria provided, single submitter. Criteria: ACMG Guidelines, 2015. Collection method: clinical testing. Allele origin: germline.

Ambry Genetics
Classification: Likely benign for Cardiovascular phenotype. Last evaluated: 2024-01-02. Review status: criteria provided, single submitter. Criteria: Ambry Variant Classification Scheme 2023. Collection method: clinical testing. Allele origin: germline.

Revvity Omics, Revvity
Classification: Uncertain significance for Cardiomyopathy, familial hypertrophic 27. Last evaluated: 2021-03-13. Review status: criteria provided, single submitter. Criteria: ACMG Guidelines, 2015. Collection method: clinical testing. Allele origin: germline.

Breakthrough Genomics
Classification: Uncertain significance. Review status: criteria provided, single submitter. Criteria: ACMG Guidelines, 2015. Collection method: not provided. Allele origin: germline. Inheritance: Autosomal recessive inheritance. Affected: yes.

Literature cited by the submitters: PubMed 37904629 (cited by Ambry Genetics).

NC_000015.10:g.84817000C>T

Gene: ALPK3 (alpha kinase 3; plus strand). Cytogenetic location: 15q25.3.
Variant type: single nucleotide variant.
Genome position: GRCh38 VCF-style: chr15-84817000-C-T. GRCh37 (hg19) VCF-style: chr15-85360231-C-T.
Other names: short protein forms P52S.
Identifiers: ClinVar variation 1442895 (VCV001442895.12), dbSNP rs373853510, ClinGen allele CA7708800.